The following is an entry in ClinVar:

ClinVar aggregate classification (germline): Pathogenic/Likely pathogenic. Review status: criteria provided, multiple submitters, no conflicts (2 of 4 stars). 4 submissions from 4 submitters: Pathogenic (1); Likely pathogenic (2). 1 of the submissions does not count toward it. Last evaluated 2025-05-28.

Conditions:
Neurodevelopmental disorder with microcephaly and dysmorphic facies. Also called: Nabais Sa-de Vries syndrome, type 1. Identifiers: Orphanet 662179, MedGen C5394218, MONDO:0032942, OMIM 618828.
Inborn genetic diseases. Identifiers: MedGen C0950123, MeSH D030342.

Submissions (4):

GeneDx
Classification: Pathogenic. Last evaluated: 2025-05-28. Review status: criteria provided, single submitter. Criteria: GeneDx Variant Classification Process June 2021. Collection method: clinical testing. Allele origin: germline.
Comment: Not observed at significant frequency in large population cohorts (gnomAD); In silico analysis supports that this missense variant has a deleterious effect on protein structure/function; This variant is associated with the following publications: (PMID: 31026449, 25766326, 28805821, 35892095, 32109420, 37926283, 36481790, 38409107, 31911863)

Ambry Genetics
Classification: Likely pathogenic for Inborn genetic diseases. Last evaluated: 2020-11-02. Review status: criteria provided, single submitter. Criteria: Ambry Variant Classification Scheme 2023. Collection method: clinical testing. Allele origin: germline.
Comment: The c.362G>A (p.R121Q) alteration is located in exon 7 (coding exon 4) of the SPOP gene. This alteration results from a G to A substitution at nucleotide position 362, causing the arginine (R) at amino acid position 121 to be replaced by a glutamine (Q). Based on data from the Genome Aggregation Database (gnomAD), the SPOP c.362G>A alteration was not observed, with coverage at this position. The SPOP c.362G>A (p.R121Q) alteration was observed de novo in a patient with congenital microcephaly, sensorineural hearing loss, mild intellectual disability, behavioral abnormalities, and craniofacial dysmorphisms including a small forehead, highly arched eyebrows, blepharophimosis, a full nasal tip, flat philtrum, micrognathia, and a pointed chin (Nabais S&aacute;, 2020). The p.R121 amino acid is conserved in available vertebrate species. The in silico prediction for the p.R121Q alteration is inconclusive. Based on the available evidence, this alteration is classified as likely pathogenic.

SIB Swiss Institute of Bioinformatics
Classification: Likely pathogenic for Neurodevelopmental disorder with microcephaly and dysmorphic facies. Last evaluated: 2020-09-10. Review status: criteria provided, single submitter. Criteria: ACMG Guidelines, 2015. Collection method: curation. Allele origin: unknown.
Comment: This variant is interpreted as likely pathogenic for Nabais Sa-de Vries syndrome 1, autosomal dominant. The following ACMG Tag(s) were applied: Absent from controls (or at extremely low frequency if recessive) in Exome Sequencing Project, 1000 Genomes Project, or Exome Aggregation Consortium (PM2); De novo (paternity and maternity confirmed) (PS2); Missense variant in a gene that has a low rate of benign missense variation and in which missense variants are a common mechanism of disease (PP2). Well-established functional studies show a deleterious effect (PS3 downgraded to supporting).

OMIM
Classification: Pathogenic for NABAIS SA-DE VRIES SYNDROME, TYPE 1. Last evaluated: 2020-05-01. Review status: no assertion criteria provided. Collection method: literature only. Allele origin: unknown. Not counted in ClinVar's aggregate classification.

Literature cited by the submitters: PubMed 32109420 (cited by 3 submitters).

NM_001007228.2(SPOP):c.362G>A (p.Arg121Gln)

Gene: SPOP (speckle type BTB/POZ protein; minus strand). Cytogenetic location: 17q21.33.
Variant type: single nucleotide variant.
Coding change: c.362G>A on transcript NM_001007228.2 (MANE Select); coding-DNA position 362, G replaced by A.
Protein change: p.Arg121Gln; replaces arginine 121 with glutamine.
Molecular consequence: missense variant.
Genome position (GRCh38, 1-based): chr17:49,619,099, C>T on the plus strand (G>A on the coding strand, the complement: SPOP is on the minus strand). VCF-style: chr17-49619099-C-T. GRCh37 (hg19) VCF-style: chr17-47696461-C-T.
Other names: c.362G>A, p.Arg121Gln (NM_001007226.1, NM_001007227.1, NM_001007229.1 and 5 more transcripts); short protein forms R121Q.
Identifiers: ClinVar variation 830355 (VCV000830355.11), dbSNP rs2072157379, ClinGen allele CA400156769.